The following is an entry in ClinVar:

ClinVar aggregate classification (germline): Benign/Likely benign. Review status: criteria provided, multiple submitters, no conflicts (2 of 4 stars). 3 submissions from 3 submitters: Benign (2); Likely benign (1). Last evaluated 2025-02-10.

Conditions:
Epidermolysis bullosa simplex with nail dystrophy (EBS5D). Identifiers: MedGen C4225309, MONDO:0014661, OMIM 616487.
Epidermolysis bullosa simplex 5B, with muscular dystrophy (EBS5B). Also called: EPIDERMOLYSIS BULLOSA SIMPLEX AND LIMB-GIRDLE MUSCULAR DYSTROPHY; Epidermolysis bullosa simplex with muscular dystrophy. Identifiers: Orphanet 257, MedGen C2931072, MONDO:0009181, OMIM 226670.
Epidermolysis bullosa simplex, Ogna type (EBS5A). Also called: Pidermolysis bullosa simplex 5A, Ogna type; EPIDERMOLYSIS BULLOSA SIMPLEX 5A, OGNA TYPE. Identifiers: Orphanet 79401, MedGen C0432317, MONDO:0007555, OMIM 131950.
Autosomal recessive limb-girdle muscular dystrophy type 2Q (LGMDR17). Also called: MUSCULAR DYSTROPHY, LIMB-GIRDLE, AUTOSOMAL RECESSIVE 17. Identifiers: Orphanet 254361, MedGen C3150989, MONDO:0013390, OMIM 613723.
Epidermolysis bullosa simplex 5C, with pyloric atresia (EBS5C). Also called: PLEC-Related Epidermolysis Bullosa with Pyloric Atresia; Epidermolysis bullosa simplex with pyloric atresia; PLEC1-Related Epidermolysis Bullosa with Pyloric Atresia. Identifiers: Orphanet 158684, MedGen C2677349, MONDO:0012807, OMIM 612138.

Allele frequency attached by ClinVar (database versions not stated): gnomAD 0.01568 and 0.01668; 1000 Genomes Project 30x 0.02327.

Submissions (3):

Mayo Clinic Laboratories, Mayo Clinic
Classification: Benign. Last evaluated: 2025-02-10. Review status: criteria provided, single submitter. Criteria: ACMG Guidelines, 2015. Collection method: clinical testing. Allele origin: germline. Observed: 6 variant alleles.
Comment: BA1, BS2, BP4, BP7

Labcorp Genetics (formerly Invitae), Labcorp
Classification: Benign for Autosomal recessive limb-girdle muscular dystrophy type 2Q; Epidermolysis bullosa simplex, Ogna type; Epidermolysis bullosa simplex with nail dystrophy; Epidermolysis bullosa simplex 5C, with pyloric atresia; Epidermolysis bullosa simplex 5B, with muscular dystrophy. Last evaluated: 2025-01-24. Review status: criteria provided, single submitter. Criteria: Invitae Variant Classification Sherloc (09022015). Collection method: clinical testing. Allele origin: germline.

GeneDx
Classification: Likely benign. Last evaluated: 2019-02-02. Review status: criteria provided, single submitter. Criteria: GeneDx Variant Classification Process June 2021. Collection method: clinical testing. Allele origin: germline. Affected: yes.

NM_201384.3(PLEC):c.1263+8_1263+9insCAGCA

Genes: PLEC (plectin; minus strand), LOC130001334 (ATAC-STARR-seq lymphoblastoid silent region 19628; plus strand). Cytogenetic location: 8q24.3.
Variant type: Insertion.
Coding change: c.1263+8_1263+9insCAGCA on transcript NM_201384.3 (MANE Select); bases 8 to 9 of the intron after coding-DNA position 1263, CAGCA inserted.
Molecular consequence: intron variant.
Genome position: GRCh38 VCF-style: chr8-143933989-C-CTGCTG. GRCh37 (hg19) VCF-style: chr8-145008157-C-CTGCTG.
Other names: p.?; c.1344+8_1344+9insCAGCA (NM_000445.5); c.1221+8_1221+9insCAGCA (NM_201378.4); c.1197+8_1197+9insCAGCA (NM_201379.3); c.1674+8_1674+9insCAGCA (NM_201380.4); c.1167+8_1167+9insCAGCA (NM_201381.3); c.1263+8_1263+9insCAGCA (NM_201382.4); c.1275+8_1275+9insCAGCA (NM_201383.3).
Identifiers: ClinVar variation 539051 (VCV000539051.14), dbSNP rs782124502, ClinGen allele CA4928070.
Genomic context (GRCh38, chr8:143,933,989, plus strand): 5'-TAGGGCTGCAGGGCGGGGCAGGCTCCTCCGGCCTCCCTCCCGCCCACTGCCTGCCCCACA[C>CTGCTG]CCCCTCACCGACTGCAGCAGGGCGTCGGCCTGGTTCAGCTGCTCCTCACACAGCCCCGCC-3'